The following is an entry in ClinVar:

ClinVar aggregate classification (germline): Uncertain significance (1 of 4 stars; one submission).

Conditions:
Nemaline myopathy 8 (NEM8). Also called: Nemaline myopathy 8, autosomal recessive. Identifiers: Orphanet 171430, MedGen C3809209, MONDO:0014138, OMIM 615348.

Submission:

Labcorp Genetics (formerly Invitae), Labcorp
Classification: Uncertain significance for Nemaline myopathy 8. Last evaluated: 2022-05-25. Review status: criteria provided, single submitter. Criteria: Invitae Variant Classification Sherloc (09022015). Collection method: clinical testing. Allele origin: germline.
Comment: In summary, the available evidence is currently insufficient to determine the role of this variant in disease. Therefore, it has been classified as a Variant of Uncertain Significance. Algorithms developed to predict the effect of missense changes on protein structure and function (SIFT, PolyPhen-2, Align-GVGD) all suggest that this variant is likely to be disruptive. This variant has not been reported in the literature in individuals affected with KLHL40-related conditions. This variant is not present in population databases (gnomAD no frequency). This sequence change replaces arginine, which is basic and polar, with histidine, which is basic and polar, at codon 153 of the KLHL40 protein (p.Arg153His).

NM_152393.4(KLHL40):c.458G>A (p.Arg153His)

Gene: KLHL40 (kelch like family member 40; plus strand). Cytogenetic location: 3p22.1.
Variant type: single nucleotide variant.
Coding change: c.458G>A on transcript NM_152393.4 (MANE Select); coding-DNA position 458, G replaced by A.
Protein change: p.Arg153His; replaces arginine 153 with histidine.
Molecular consequence: missense variant.
Genome position (GRCh38, 1-based): chr3:42,686,076, G>A. VCF-style: chr3-42686076-G-A. GRCh37 (hg19) VCF-style: chr3-42727568-G-A.
Other names: short protein forms R153H.
Identifiers: ClinVar variation 1998504 (VCV001998504.4), dbSNP rs1340639441, ClinGen allele CA352289469.
Genomic context (GRCh38, chr3:42,686,076, plus strand): 5'-GCTTGGCCGTCTTCCGTCTCGGCCTCCTGCTCGACTGCGCGCGTCTCGCCGTGGCTGCCC[G>A]CGACTTCATCTGCGCTCACTTCACGCTGGTGGCGCGCGACGCTGACTTCCTCGGACTCTC-3'
Protein context (NP_689606.2, residues 143-163): LDCARLAVAA[Arg153His]DFICAHFTLV